The following is an entry in ClinVar:

NM_152490.5(B3GALNT2):c.268G>T (p.Val90Leu)

Gene: B3GALNT2 (beta-1,3-N-acetylgalactosaminyltransferase 2; minus strand). Cytogenetic location: 1q42.3.
Variant type: single nucleotide variant.
Coding change: c.268G>T on transcript NM_152490.5 (MANE Select); coding-DNA position 268, G replaced by T.
Protein change: p.Val90Leu; replaces valine 90 with leucine.
Molecular consequence: missense variant.
Genome position (GRCh38, 1-based): chr1:235,489,261, C>A on the plus strand (G>T on the coding strand, the complement: B3GALNT2 is on the minus strand). VCF-style: chr1-235489261-C-A. GRCh37 (hg19) VCF-style: chr1-235652566-C-A.
Other names: c.391G>T, p.Val131Leu (NM_001277155.3); c.268G>T (NM_152490.2); short protein forms V90L, V131L.
Identifiers: ClinVar variation 968878 (VCV000968878.7), dbSNP rs371613038, ClinGen allele CA1464953.

ClinVar aggregate classification (germline): Uncertain significance. Review status: criteria provided, multiple submitters, no conflicts (2 of 4 stars). 2 submissions from 2 submitters: Uncertain significance (2). Last evaluated 2025-09-01.

Conditions:
Muscular dystrophy-dystroglycanopathy (congenital with brain and eye anomalies), type a, 11 (MDDGA11). Also called: WALKER-WARBURG SYNDROME OR MUSCLE-EYE-BRAIN DISEASE, B3GALNT2-RELATED; Muscular dystrophy-dystroglycanopathy (congenital with brain and eye anomalies, type A, 11; Congenital muscular dystrophy-dystroglycanopathy with brain and eye anomalies, type A11. Identifiers: Orphanet 588, Orphanet 899, MedGen C3554638, MONDO:0014071, OMIM 615181.
Inborn genetic diseases. Identifiers: MedGen C0950123, MeSH D030342.

Allele frequency attached by ClinVar (database versions not stated): TOPMed 0.00001; ESP Exome Variant Server 0.00008.

Submissions (2):

Ambry Genetics
Classification: Uncertain significance for Inborn genetic diseases. Last evaluated: 2025-09-01. Review status: criteria provided, single submitter. Criteria: Ambry Variant Classification Scheme 2023. Collection method: clinical testing. Allele origin: germline.

Labcorp Genetics (formerly Invitae), Labcorp
Classification: Uncertain significance for Muscular dystrophy-dystroglycanopathy (congenital with brain and eye anomalies), type a, 11. Last evaluated: 2022-02-04. Review status: criteria provided, single submitter. Criteria: Invitae Variant Classification Sherloc (09022015). Collection method: clinical testing. Allele origin: germline.
Comment: In summary, the available evidence is currently insufficient to determine the role of this variant in disease. Therefore, it has been classified as a Variant of Uncertain Significance. Algorithms developed to predict the effect of missense changes on protein structure and function (SIFT, PolyPhen-2, Align-GVGD) all suggest that this variant is likely to be tolerated. ClinVar contains an entry for this variant (Variation ID: 968878). This variant has not been reported in the literature in individuals affected with B3GALNT2-related conditions. This variant is present in population databases (rs371613038, gnomAD 0.0009%). This sequence change replaces valine, which is neutral and non-polar, with leucine, which is neutral and non-polar, at codon 90 of the B3GALNT2 protein (p.Val90Leu).